The following is an entry in ClinVar:

ClinVar aggregate classification (germline): Uncertain significance (1 of 4 stars; one submission).

Conditions:
Cardiovascular phenotype. Identifiers: MedGen CN230736.

Submission:

Ambry Genetics
Classification: Uncertain significance for Cardiovascular phenotype. Last evaluated: 2025-07-09. Review status: criteria provided, single submitter. Criteria: Ambry Variant Classification Scheme 2023. Collection method: clinical testing. Allele origin: germline.
Comment: The p.I1986F variant (also known as c.5956A>T), located in coding exon 16 of the TNXB gene, results from an A to T substitution at nucleotide position 5956. The isoleucine at codon 1986 is replaced by phenylalanine, an amino acid with highly similar properties. This amino acid position is conserved. In addition, this alteration is predicted to be tolerated by in silico analysis. Based on the available evidence, the clinical significance of this variant remains unclear.

NM_001365276.2(TNXB):c.5956A>T (p.Ile1986Phe)

Gene: TNXB (tenascin XB; minus strand). Cytogenetic location: 6p21.33.
Variant type: single nucleotide variant.
Coding change: c.5956A>T on transcript NM_001365276.2 (MANE Select); coding-DNA position 5956, A replaced by T.
Protein change: p.Ile1986Phe; replaces isoleucine 1986 with phenylalanine.
Molecular consequence: missense variant.
Genome position (GRCh38, 1-based): chr6:32,068,654, T>A on the plus strand (A>T on the coding strand, the complement: TNXB is on the minus strand). VCF-style: chr6-32068654-T-A. GRCh37 (hg19) VCF-style: chr6-32036431-T-A.
Other names: c.6697A>T, p.Ile2233Phe (NM_001428335.1); c.5956A>T, p.Ile1986Phe (NM_019105.8); short protein forms I1986F, I2233F.
Identifiers: ClinVar variation 3972057 (VCV003972057.2).